The following is an entry in ClinVar:

NM_004525.3(LRP2):c.13729G>A (p.Val4577Met)

Gene: LRP2 (LDL receptor related protein 2; minus strand). Cytogenetic location: 2q31.1.
Variant type: single nucleotide variant.
Coding change: c.13729G>A on transcript NM_004525.3 (MANE Select); coding-DNA position 13729, G replaced by A.
Protein change: p.Val4577Met; replaces valine 4577 with methionine.
Molecular consequence: missense variant.
Genome position (GRCh38, 1-based): chr2:169,129,084, C>T on the plus strand (G>A on the coding strand, the complement: LRP2 is on the minus strand). VCF-style: chr2-169129084-C-T. GRCh37 (hg19) VCF-style: chr2-169985594-C-T.
Other names: short protein forms V4577M.
Identifiers: ClinVar variation 1923128 (VCV001923128.2), dbSNP rs2545621311, ClinGen allele CA349149579.
Genomic context (GRCh38, chr2:169,129,084, plus strand): 5'-TTGGATTTTCAAAGTTGGTAGTTTGTTTAGATTTTCGTTTGAAGAGATTCCATTTTGTCA[C>T]CTAAATGAAAAGGGGAAAACAAAAACCTCTCAGTAATGGAATTATTTTGTGGGTTTCTTT-3'
Protein context (NP_004516.2, residues 4567-4587): PTSPAADGTQ[Val4577Met]TKWNLFKRKS

ClinVar aggregate classification (germline): Uncertain significance (1 of 4 stars; one submission).

Submission:

Labcorp Genetics (formerly Invitae), Labcorp
Classification: Uncertain significance. Last evaluated: 2022-06-14. Review status: criteria provided, single submitter. Criteria: Invitae Variant Classification Sherloc (09022015). Collection method: clinical testing. Allele origin: germline.
Comment: This sequence change replaces valine, which is neutral and non-polar, with methionine, which is neutral and non-polar, at codon 4577 of the LRP2 protein (p.Val4577Met). This variant is not present in population databases (gnomAD no frequency). This variant has not been reported in the literature in individuals affected with LRP2-related conditions. Algorithms developed to predict the effect of missense changes on protein structure and function (SIFT, PolyPhen-2, Align-GVGD) all suggest that this variant is likely to be tolerated. In summary, the available evidence is currently insufficient to determine the role of this variant in disease. Therefore, it has been classified as a Variant of Uncertain Significance.